The following is an entry in ClinVar:

NM_004341.5(CAD):c.5354G>A (p.Arg1785His)

Gene: CAD (carbamoyl-phosphate synthetase 2, aspartate transcarbamylase, and dihydroorotase; plus strand). Cytogenetic location: 2p23.3.
Variant type: single nucleotide variant.
Coding change: c.5354G>A on transcript NM_004341.5 (MANE Select); coding-DNA position 5354, G replaced by A.
Protein change: p.Arg1785His; replaces arginine 1785 with histidine.
Molecular consequence: missense variant.
Genome position (GRCh38, 1-based): chr2:27,239,431, G>A. VCF-style: chr2-27239431-G-A. GRCh37 (hg19) VCF-style: chr2-27462299-G-A.
Other names: c.5354G>A (NM_004341.3); c.5165G>A, p.Arg1722His (NM_001306079.2); short protein forms R1785H, R1722H.
Identifiers: ClinVar variation 1965394 (VCV001965394.4), dbSNP rs750293336, ClinGen allele CA1573825.

ClinVar aggregate classification (germline): Uncertain significance. Review status: criteria provided, multiple submitters, no conflicts (2 of 4 stars). 3 submissions from 3 submitters: Uncertain significance (3). Last evaluated 2025-07-24.

Allele frequency attached by ClinVar (database versions not stated): gnomAD exomes 0.00001; ExAC 0.00002.
gnomAD v4.1: 8 of 1,613,902 alleles (0.0005%); highest among the groups gnomAD compares: South Asian, 0.0011%; no homozygotes.

Submissions (3):

Women's Health and Genetics/Laboratory Corporation of America, LabCorp
Classification: Uncertain significance. Last evaluated: 2025-07-24. Review status: criteria provided, single submitter. Criteria: LabCorp Variant Classification Summary - May 2015. Collection method: clinical testing. Allele origin: germline.
Comment: Variant summary: CAD c.5354G>A (p.Arg1785His) results in a non-conservative amino acid change in the encoded protein sequence. Algorithms developed to predict the effect of missense changes on protein structure and function all suggest that this variant is likely to be disruptive. The variant allele was found at a frequency of 4e-06 in 251026 control chromosomes (gnomAD). The available data on variant occurrences in the general population are insufficient to allow any conclusion about variant significance. c.5354G>A has been observed in at least one individual affected with clinical features of Early Infantile Epileptic Encephalopathy, 50 (DelCao-Ochoa_2023). The report does not provide unequivocal conclusions about association of the variant with Early Infantile Epileptic Encephalopathy, 50. At least one publication reports experimental evidence evaluating an impact on protein function, however, does not allow convincing conclusions about the variant effect (DelCao-Ochoa_2023). The following publications have been ascertained in the context of this evaluation (PMID: 37540500, 39447673). ClinVar contains an entry for this variant (Variation ID: 1965394). Based on the evidence outlined above, the variant was classified as uncertain significance.

GeneDx
Classification: Uncertain significance. Last evaluated: 2022-10-07. Review status: criteria provided, single submitter. Criteria: GeneDx Variant Classification Process June 2021. Collection method: clinical testing. Allele origin: germline. Affected: yes.
Comment: Not observed at significant frequency in large population cohorts (gnomAD); In silico analysis supports that this missense variant has a deleterious effect on protein structure/function; Has not been previously published as pathogenic or benign to our knowledge

Labcorp Genetics (formerly Invitae), Labcorp
Classification: Uncertain significance. Last evaluated: 2022-07-10. Review status: criteria provided, single submitter. Criteria: Invitae Variant Classification Sherloc (09022015). Collection method: clinical testing. Allele origin: germline.
Comment: This sequence change replaces arginine, which is basic and polar, with histidine, which is basic and polar, at codon 1785 of the CAD protein (p.Arg1785His). The frequency data for this variant in the population databases is considered unreliable, as metrics indicate poor data quality at this position in the gnomAD database. This variant has not been reported in the literature in individuals affected with CAD-related conditions. Algorithms developed to predict the effect of missense changes on protein structure and function are either unavailable or do not agree on the potential impact of this missense change (SIFT: "Deleterious"; PolyPhen-2: "Probably Damaging"; Align-GVGD: "Class C0"). In summary, the available evidence is currently insufficient to determine the role of this variant in disease. Therefore, it has been classified as a Variant of Uncertain Significance.

Literature cited by the submitters: PubMed 37540500 (cited by Women's Health and Genetics/Laboratory Corporation of America, LabCorp); PubMed 39447673 (cited by Women's Health and Genetics/Laboratory Corporation of America, LabCorp).